The following is an entry in ClinVar:

ClinVar aggregate classification (germline): Conflicting classifications of pathogenicity. Review status: criteria provided, conflicting classifications (1 of 4 stars). 8 submissions from 8 submitters: Uncertain significance (4); Benign (1); Likely benign (3). Last evaluated 2026-09-01.

Conditions:
WWOX-related disorder. Also called: WWOX-related condition.
Inborn genetic diseases. Identifiers: MedGen C0950123, MeSH D030342.
Developmental and epileptic encephalopathy, 1 (DEE1). Also called: X-linked infantile spasms; West's syndrome; Tonic spasms with clustering, arrest of psychomotor development and hypsarrhythmia on EEG; X-Linked Infantile Spasm Syndrome; OHTAHARA SYNDROME, X-LINKED; INFANTILE SPASM SYNDROME, X-LINKED 1. Identifiers: MedGen C3463992, MONDO:0010632, OMIM 308350. Disease mechanism: loss of function.
Autosomal recessive spinocerebellar ataxia 12. Also called: SPINOCEREBELLAR ATAXIA WITH MENTAL RETARDATION AND EPILEPSY. Identifiers: Orphanet 284282, MedGen C3280452, MONDO:0013687, OMIM 614322.

Allele frequency attached by ClinVar (database versions not stated): gnomAD 0.00006 and 0.00011; TOPMed 0.00008; ESP Exome Variant Server 0.00016; 1000 Genomes Project 0.00060; 1000 Genomes Project 30x 0.00078.
gnomAD v4.1: 329 of 1,613,908 alleles (0.02%); highest among the groups gnomAD compares: South Asian, 0.14%; 7 homozygotes.

Submissions (8):

CeGaT Center for Human Genetics Tuebingen
Classification: Likely benign. Last evaluated: 2026-09-01. Review status: criteria provided, single submitter. Criteria: CeGaT Center For Human Genetics Tuebingen Variant Classification Criteria Version 2. Collection method: clinical testing. Allele origin: germline. Affected: yes. Observed: 7 variant alleles.
Comment: WWOX: BS2

Labcorp Genetics (formerly Invitae), Labcorp
Classification: Benign for Developmental and epileptic encephalopathy, 1; Autosomal recessive spinocerebellar ataxia 12. Last evaluated: 2026-01-19. Review status: criteria provided, single submitter. Criteria: Invitae Variant Classification Sherloc (09022015). Collection method: clinical testing. Allele origin: germline.

Ambry Genetics
Classification: Uncertain significance for Inborn genetic diseases. Last evaluated: 2025-08-03. Review status: criteria provided, single submitter. Criteria: Ambry Variant Classification Scheme 2023. Collection method: clinical testing. Allele origin: germline.

Blueprint Genetics
Classification: Likely benign. Last evaluated: 2024-11-08. Review status: criteria provided, single submitter. Criteria: ACMG Guidelines, 2015. Collection method: clinical testing. Allele origin: germline.

PreventionGenetics, part of Exact Sciences
Classification: Likely benign for WWOX-related condition. Last evaluated: 2024-10-30. Review status: criteria provided, single submitter. Criteria: ACMG Guidelines, 2015. Collection method: clinical testing. Allele origin: germline.
Comment: This variant is classified as likely benign based on ACMG/AMP sequence variant interpretation guidelines (Richards et al. 2015 PMID: 25741868, with internal and published modifications).

GeneDx
Classification: Uncertain significance. Last evaluated: 2024-06-03. Review status: criteria provided, single submitter. Criteria: GeneDx Variant Classification Process June 2021. Collection method: clinical testing. Allele origin: germline. Affected: yes.
Comment: In silico analysis supports that this missense variant has a deleterious effect on protein structure/function; Has not been previously published as pathogenic or benign to our knowledge; This variant is associated with the following publications: (PMID: 25411445)

Revvity Omics, Revvity
Classification: Uncertain significance. Last evaluated: 2020-08-20. Review status: criteria provided, single submitter. Criteria: ACMG Guidelines, 2015. Collection method: clinical testing. Allele origin: germline.

Mayo Clinic Laboratories, Mayo Clinic
Classification: Uncertain significance. Last evaluated: 2019-10-06. Review status: criteria provided, single submitter. Criteria: ACMG Guidelines, 2015. Collection method: clinical testing. Allele origin: germline. Observed: 1 variant allele.

NM_016373.4(WWOX):c.421G>A (p.Ala141Thr)

Gene: WWOX (WW domain containing oxidoreductase; plus strand). Cytogenetic location: 16q23.1.
Variant type: single nucleotide variant.
Coding change: c.421G>A on transcript NM_016373.4 (MANE Select); coding-DNA position 421, G replaced by A.
Protein change: p.Ala141Thr; replaces alanine 141 with threonine.
Molecular consequence: missense variant. On other transcripts: non-coding transcript variant (1).
Genome position (GRCh38, 1-based): chr16:78,164,194, G>A. VCF-style: chr16-78164194-G-A. GRCh37 (hg19) VCF-style: chr16-78198091-G-A.
Other names: c.82G>A, p.Ala28Thr (NM_001291997.2); c.421G>A, p.Ala141Thr (NM_130791.5); short protein forms A141T, A28T.
Identifiers: ClinVar variation 410088 (VCV000410088.66), dbSNP rs369907002, ClinGen allele CA8183213.